The following is an entry in ClinVar:

ClinVar aggregate classification (germline): Uncertain significance (1 of 4 stars; one submission).

Allele frequency attached by ClinVar (database versions not stated): gnomAD exomes 0.00001; ExAC 0.00002; TOPMed 0.00002.
gnomAD v4.1: 6 of 1,612,098 alleles (0.00037%); highest among the groups gnomAD compares: Admixed American, 0.0067%; no homozygotes.

Submission:

Labcorp Genetics (formerly Invitae), Labcorp
Classification: Uncertain significance. Last evaluated: 2023-05-31. Review status: criteria provided, single submitter. Criteria: Invitae Variant Classification Sherloc (09022015). Collection method: clinical testing. Allele origin: germline.
Comment: In summary, the available evidence is currently insufficient to determine the role of this variant in disease. Therefore, it has been classified as a Variant of Uncertain Significance. Advanced modeling of protein sequence and biophysical properties (such as structural, functional, and spatial information, amino acid conservation, physicochemical variation, residue mobility, and thermodynamic stability) performed at Invitae indicates that this missense variant is not expected to disrupt DCHS1 protein function. This variant has not been reported in the literature in individuals affected with DCHS1-related conditions. This variant is present in population databases (rs746376654, gnomAD 0.01%). This sequence change replaces asparagine, which is neutral and polar, with serine, which is neutral and polar, at codon 584 of the DCHS1 protein (p.Asn584Ser).

NM_003737.4(DCHS1):c.1751A>G (p.Asn584Ser)

Gene: DCHS1 (dachsous cadherin-related 1; minus strand). Cytogenetic location: 11p15.4.
Variant type: single nucleotide variant.
Coding change: c.1751A>G on transcript NM_003737.4 (MANE Select); coding-DNA position 1751, A replaced by G.
Protein change: p.Asn584Ser; replaces asparagine 584 with serine.
Molecular consequence: missense variant.
Genome position (GRCh38, 1-based): chr11:6,639,863, T>C on the plus strand (A>G on the coding strand, the complement: DCHS1 is on the minus strand). VCF-style: chr11-6639863-T-C. GRCh37 (hg19) VCF-style: chr11-6661094-T-C.
Other names: short protein forms N584S.
Identifiers: ClinVar variation 3004723 (VCV003004723.3), dbSNP rs746376654, ClinGen allele CA5860908.